The following is an entry in ClinVar:

NM_001365536.1(SCN9A):c.1405A>T (p.Ser469Cys)

Genes: SCN1A-AS1 (SCN1A and SCN9A antisense RNA 1; plus strand), SCN9A (sodium voltage-gated channel alpha subunit 9; minus strand). Cytogenetic location: 2q24.3.
Variant type: single nucleotide variant.
Coding change: c.1405A>T on transcript NM_001365536.1 (MANE Select); coding-DNA position 1405, A replaced by T.
Protein change: p.Ser469Cys; replaces serine 469 with cysteine.
Molecular consequence: missense variant.
Genome position (GRCh38, 1-based): chr2:166,286,533, T>A on the plus strand (A>T on the coding strand, the complement: SCN9A is on the minus strand). VCF-style: chr2-166286533-T-A. GRCh37 (hg19) VCF-style: chr2-167143043-T-A.
Other names: c.1405A>T, p.Ser469Cys (NM_002977.4); short protein forms S469C.
Identifiers: ClinVar variation 644613 (VCV000644613.11), dbSNP rs1574868187, ClinGen allele CA349084820.

ClinVar aggregate classification (germline): Uncertain significance (1 of 4 stars; one submission).

Conditions:
Generalized epilepsy with febrile seizures plus, type 7 (GEFSP7). Also called: GEFS+, TYPE 7. Identifiers: Orphanet 36387, MedGen C2751778, MONDO:0013470, OMIM 613863.
Neuropathy, hereditary sensory and autonomic, type 2A (HSAN2A). Also called: HSAN IIA; ACROOSTEOLYSIS, GIACCAI TYPE; ACROOSTEOLYSIS, NEUROGENIC; MORVAN DISEASE; NEUROPATHY, CONGENITAL SENSORY; NEUROPATHY, HEREDITARY SENSORY RADICULAR, AUTOSOMAL RECESSIVE. Identifiers: Orphanet 970, MedGen C2752089, MONDO:0024309, OMIM 201300.

Allele frequency attached by ClinVar (database versions not stated): gnomAD exomes below 0.00001; TOPMed 0.00001.
gnomAD v4.1: 4 of 1,611,984 alleles (0.00025%); highest among the groups gnomAD compares: Non-Finnish European, 0.00034%; no homozygotes.

Submission:

Labcorp Genetics (formerly Invitae), Labcorp
Classification: Uncertain significance for Neuropathy, hereditary sensory and autonomic, type 2A; Generalized epilepsy with febrile seizures plus, type 7. Last evaluated: 2023-07-07. Review status: criteria provided, single submitter. Criteria: Invitae Variant Classification Sherloc (09022015). Collection method: clinical testing. Allele origin: germline.
Comment: This missense change has been observed in individual(s) with clinical features of generalized epilepsy (Invitae). It has also been observed to segregate with disease in related individuals. This sequence change replaces serine, which is neutral and polar, with cysteine, which is neutral and slightly polar, at codon 469 of the SCN9A protein (p.Ser469Cys). This variant is not present in population databases (gnomAD no frequency). ClinVar contains an entry for this variant (Variation ID: 644613). Advanced modeling of protein sequence and biophysical properties (such as structural, functional, and spatial information, amino acid conservation, physicochemical variation, residue mobility, and thermodynamic stability) performed at Invitae indicates that this missense variant is not expected to disrupt SCN9A protein function. In summary, the available evidence is currently insufficient to determine the role of this variant in disease. Therefore, it has been classified as a Variant of Uncertain Significance.